The following is an entry in ClinVar:

NM_016284.5(CNOT1):c.1135T>G (p.Tyr379Asp)

Gene: CNOT1 (CCR4-NOT transcription complex subunit 1; minus strand). Cytogenetic location: 16q21.
Variant type: single nucleotide variant.
Coding change: c.1135T>G on transcript NM_016284.5 (MANE Select); coding-DNA position 1135, T replaced by G.
Protein change: p.Tyr379Asp; replaces tyrosine 379 with aspartic acid.
Molecular consequence: missense variant. On other transcripts: non-coding transcript variant (1).
Genome position (GRCh38, 1-based): chr16:58,581,425, A>C on the plus strand (T>G on the coding strand, the complement: CNOT1 is on the minus strand). VCF-style: chr16-58581425-A-C. GRCh37 (hg19) VCF-style: chr16-58615329-A-C.
Other names: c.1135T>G, p.Tyr379Asp (NM_001265612.2, NM_206999.3); short protein forms Y379D.
Identifiers: ClinVar variation 3665615 (VCV003665615.2).

ClinVar aggregate classification (germline): Uncertain significance (1 of 4 stars; one submission).

Submission:

Labcorp Genetics (formerly Invitae), Labcorp
Classification: Uncertain significance. Last evaluated: 2025-04-17. Review status: criteria provided, single submitter. Criteria: Invitae Variant Classification Sherloc (09022015). Collection method: clinical testing. Allele origin: germline.
Comment: This sequence change replaces tyrosine, which is neutral and polar, with aspartic acid, which is acidic and polar, at codon 379 of the CNOT1 protein (p.Tyr379Asp). This variant is present in population databases (rs752280457, gnomAD 0.0008%). This variant has not been reported in the literature in individuals affected with CNOT1-related conditions. ClinVar contains an entry for this variant (Variation ID: 3665615). An algorithm developed to predict the effect of missense changes on protein structure and function (PolyPhen-2) suggests that this variant is likely to be tolerated. In summary, the available evidence is currently insufficient to determine the role of this variant in disease. Therefore, it has been classified as a Variant of Uncertain Significance.